The following is an entry in ClinVar:

NM_000552.5(VWF):c.8333G>A (p.Arg2778Gln)

Gene: VWF (von Willebrand factor; minus strand). Cytogenetic location: 12p13.31.
Variant type: single nucleotide variant.
Coding change: c.8333G>A on transcript NM_000552.5 (MANE Select); coding-DNA position 8333, G replaced by A.
Protein change: p.Arg2778Gln; replaces arginine 2778 with glutamine.
Molecular consequence: missense variant.
Genome position (GRCh38, 1-based): chr12:5,949,124, C>T on the plus strand (G>A on the coding strand, the complement: VWF is on the minus strand). VCF-style: chr12-5949124-C-T. GRCh37 (hg19) VCF-style: chr12-6058290-C-T.
Other names: short protein forms R2778Q.
Identifiers: ClinVar variation 993044 (VCV000993044.2), dbSNP rs150577615, ClinGen allele CA6401329.

ClinVar aggregate classification (germline): Uncertain significance. Review status: criteria provided, multiple submitters, no conflicts (2 of 4 stars). 2 submissions from 2 submitters: Uncertain significance (2). Last evaluated 2025-12-22.

Conditions:
VWF-related disorder. Also called: VWF-related disorders; VWF-related condition.

Allele frequency attached by ClinVar (database versions not stated): gnomAD 0.00004 and 0.00005; gnomAD exomes 0.00004 and 0.00006; ExAC 0.00007; TOPMed 0.00007; ESP Exome Variant Server 0.00015.
gnomAD v4.1: 67 of 1,614,096 alleles (0.0042%); highest among the groups gnomAD compares: Non-Finnish European, 0.0047%; no homozygotes.

Submissions (2):

PreventionGenetics, part of Exact Sciences
Classification: Uncertain significance for VWF-related condition. Last evaluated: 2025-12-22. Review status: criteria provided, single submitter. Criteria: ACMG Guidelines, 2015. Collection method: clinical testing. Allele origin: germline.
Comment: The VWF c.8333G>A variant is predicted to result in the amino acid substitution p.Arg2778Gln. To our knowledge, this variant has not been reported in the literature. This variant is reported in 0.039% of alleles in individuals of Ashkenazi Jewish descent in gnomAD. At this time, the clinical significance of this variant is uncertain due to the absence of conclusive functional and genetic evidence.

Quest Diagnostics Nichols Institute San Juan Capistrano
Classification: Uncertain significance. Last evaluated: 2020-01-09. Review status: criteria provided, single submitter. Criteria: Quest Diagnostics criteria. Collection method: clinical testing. Allele origin: unknown.